The following is an entry in ClinVar:

ClinVar aggregate classification (germline): Benign/Likely benign. Review status: criteria provided, multiple submitters, no conflicts (2 of 4 stars). 16 submissions from 16 submitters: Benign (6); Likely benign (7). 3 of the submissions do not count toward it. Last evaluated 2026-07-01.

Conditions:
CDH1-related disorder. Also called: CDH1-related condition.
Breast and/or ovarian cancer. Identifiers: MedGen CN221562.
Hereditary cancer-predisposing syndrome. Also called: Hereditary neoplastic syndrome; Tumor predisposition; Neoplastic Syndromes, Hereditary; Hereditary Cancer Syndrome. Identifiers: Orphanet 140162, MedGen C0027672, MeSH D009386, MONDO:0015356.
Hereditary diffuse gastric adenocarcinoma (HDGC). Also called: DIFFUSE GASTRIC AND LOBULAR BREAST CANCER SYNDROME. Identifiers: Orphanet 26106, MedGen C1708349, MONDO:0007648, OMIM 137215.
Malignant tumor of breast. Also called: Malignant breast neoplasm; Cancer breast. Identifiers: MedGen C0006142, MONDO:0007254. Disease mechanism: loss of function.

Allele frequency attached by ClinVar (database versions not stated): TOPMed 0.00006; gnomAD 0.00008 and 0.00009; gnomAD exomes 0.00013 and 0.00016; ESP Exome Variant Server 0.00015; ExAC 0.00018.
gnomAD v4.1: 199 of 1,613,956 alleles (0.012%); highest among the groups gnomAD compares: Non-Finnish European, 0.013%; no homozygotes.

Submissions (16):

CeGaT Center for Human Genetics Tuebingen
Classification: Likely benign. Last evaluated: 2026-07-01. Review status: criteria provided, single submitter. Criteria: CeGaT Center For Human Genetics Tuebingen Variant Classification Criteria Version 2. Collection method: clinical testing. Allele origin: germline. Affected: yes. Observed: 2 variant alleles.
Comment: CDH1: BP4, BP7

Labcorp Genetics (formerly Invitae), Labcorp
Classification: Likely benign for Hereditary diffuse gastric adenocarcinoma. Last evaluated: 2026-01-27. Review status: criteria provided, single submitter. Criteria: Invitae Variant Classification Sherloc (09022015). Collection method: clinical testing. Allele origin: germline.

Blueprint Genetics
Classification: Likely benign. Last evaluated: 2024-11-20. Review status: criteria provided, single submitter. Criteria: ACMG Guidelines, 2015. Collection method: clinical testing. Allele origin: germline.

Myriad Genetics, Inc.
Classification: Benign for Hereditary diffuse gastric adenocarcinoma. Last evaluated: 2024-09-16. Review status: criteria provided, single submitter. Criteria: Myriad Autosomal Dominant, Autosomal Recessive and X-Linked Classification Criteria (2023). Collection method: clinical testing. Allele origin: unknown.
Comment: This variant is considered benign. This variant is a silent/synonymous amino acid change and it is not expected to impact splicing.

Quest Diagnostics Nichols Institute San Juan Capistrano
Classification: Benign. Last evaluated: 2023-06-30. Review status: criteria provided, single submitter. Criteria: Quest Diagnostics criteria. Collection method: clinical testing. Allele origin: unknown.

CHEO Genetics Diagnostic Laboratory, Children's Hospital of Eastern Ontario
Classification: Likely benign for Breast and/or ovarian cancer. Last evaluated: 2022-12-14. Review status: criteria provided, single submitter. Criteria: ACMG Guidelines, 2015. Collection method: clinical testing. Allele origin: germline.

European Reference Network on Genetic Tumour Risk Syndromes (ERN-GENTURIS), i3s - Instituto de Investigação e Inovação em Saúde, University of Porto
Classification: Likely benign for Hereditary diffuse gastric adenocarcinoma. Last evaluated: 2022-08-01. Review status: criteria provided, single submitter. Criteria: Lee et al. (Hum Mutat. 2018). Collection method: clinical testing. Allele origin: germline. Inheritance: Autosomal dominant inheritance. Affected: no. Study: ERN GENTURIS.
Comment: BP4; BP7 (PMID: 30311375)

Sema4
Classification: Benign for Hereditary cancer-predisposing syndrome. Last evaluated: 2021-09-04. Review status: criteria provided, single submitter. Criteria: Sema4 Curation Guidelines. Collection method: curation. Allele origin: germline.

Illumina Laboratory Services, Illumina
Classification: Benign for Hereditary diffuse gastric adenocarcinoma. Last evaluated: 2018-03-06. Review status: criteria provided, single submitter. Criteria: ICSL Variant Classification Criteria 13 December 2019. Collection method: clinical testing. Allele origin: germline.
Comment: This variant was observed in the ICSL laboratory as part of a predisposition screen in an ostensibly healthy population. It had not been previously curated by ICSL or reported in the Human Gene Mutation Database (HGMD: prior to June 1st, 2018), and was therefore a candidate for classification through an automated scoring system. Utilizing variant allele frequency, disease prevalence and penetrance estimates, and inheritance mode, an automated score was calculated to assess if this variant is too frequent to cause the disease. Based on the score and internal cut-off values, a variant classified as benign is not then subjected to further curation. The score for this variant resulted in a classification of benign for this disease.

Color Diagnostics, LLC DBA Color Health
Classification: Likely benign for Hereditary cancer-predisposing syndrome. Last evaluated: 2017-05-12. Review status: criteria provided, single submitter. Criteria: ACMG Guidelines, 2015. Collection method: clinical testing. Allele origin: germline.

Women's Health and Genetics/Laboratory Corporation of America, LabCorp
Classification: Benign. Last evaluated: 2016-11-04. Review status: criteria provided, single submitter. Criteria: LabCorp Variant Classification Summary - May 2015. Collection method: clinical testing. Allele origin: germline.
Comment: Variant summary: The CDH1 c.894C>T (p.Ala298Ala) variant causes a synonymous change involving a non-conserved nucleotide with 5/5 splice prediction tools predict no significant impact on normal splicing and ESE finder predicts that this variant may affect ESE binding, however, these predictions have yet to be functionally assessed. The variant of interest was observed in the large, broad control population, ExAC, with an allele frequency of 22/121408 (1/5518), which exceeds the estimated maximal expected allele frequency for a pathogenic CDH1 variant of 1/35335, suggesting this variant is likely a benign polymorphism. The variant of interest has been reported in an affected individual, however, with limited information (ie, lack of co-occurrence and cosegregation data) and the authors classify the variant as a "polymorphism." In addition, multiple clinical diagnostic laboratories cite the variant as "likely benign." Therefore, the variant of interest has been classified as Benign.

GeneDx
Classification: Benign. Last evaluated: 2015-09-04. Review status: criteria provided, single submitter. Criteria: GeneDx Variant Classification (06012015). Collection method: clinical testing. Allele origin: germline. Affected: yes.
Comment: This variant is considered likely benign or benign based on one or more of the following criteria: it is a conservative change, it occurs at a poorly conserved position in the protein, it is predicted to be benign by multiple in silico algorithms, and/or has population frequency not consistent with disease.

Ambry Genetics
Classification: Likely benign for Hereditary cancer-predisposing syndrome. Last evaluated: 2014-08-21. Review status: criteria provided, single submitter. Criteria: Ambry Variant Classification Scheme 2023. Collection method: clinical testing. Allele origin: germline.

Institute for Biomarker Research, Medical Diagnostic Laboratories, L.L.C.
Classification: Likely benign for Hereditary cancer-predisposing syndrome. Last evaluated: 2021-09-15. Review status: no assertion criteria provided. Collection method: clinical testing. Allele origin: germline. Not counted in ClinVar's aggregate classification.

PreventionGenetics, part of Exact Sciences
Classification: Likely benign for CDH1-related condition. Last evaluated: 2019-05-22. Review status: no assertion criteria provided. Collection method: clinical testing. Allele origin: germline. Not counted in ClinVar's aggregate classification.
Comment: This variant is classified as likely benign based on ACMG/AMP sequence variant interpretation guidelines (Richards et al. 2015 PMID: 25741868, with internal and published modifications).

Department of Pathology and Laboratory Medicine, Sinai Health System
Classification: Likely benign for Malignant tumor of breast. Review status: no assertion criteria provided. Collection method: clinical testing. Allele origin: unknown. Affected: yes. Observed: 1 variant allele. Study: The Canadian Open Genetics Repository (COGR). Not counted in ClinVar's aggregate classification.
Comment: The CDH1 p.Ala298= variant was identified in 1 of 472 proband chromosomes (frequency: 0.002) from individuals or families with gastric cancer and was not identified in 480 control chromosomes from healthy individuals (Chen 2013). The variant was also identified in dbSNP (ID: rs139110184) as "With Likely benign allele", ClinVar (classified as benign by GeneDx and one other clinical laboratory; classified as likely benign by Ambry Genetics, Invitae, and Color Genomics). The variant was not identified in Cosmic or Zhejiang University Database. The variant was identified in control databases in 39 of 277202 chromosomes at a frequency of 0.00014 (Genome Aggregation Database Feb 27, 2017). The variant was observed in the following populations: African in 1 of 24032 chromosomes (freq: 0.00004), European in 27 of 126700 chromosomes (freq: 0.0002), East Asian in 2 of 18868 chromosomes (freq: 0.0001), Finnish in 9 of 25788 chromosomes (freq: 0.0003), while the variant was not observed in the Other, Latino, Ashkenazi Jewish, or South Asian populations. The p.Ala298= variant is not expected to have clinical significance because it does not result in a change of amino acid and is not located in a known consensus splice site. In addition, in silico or computational prediction software programs (SpliceSiteFinder, MaxEntScan, NNSPLICE, GeneSplicer, HumanSpliceFinder) do not predict a difference in splicing. In summary, based on the above information, the clinical significance of this variant cannot be determined with certainty at this time although we would lean towards a more benign role for this variant. This variant is classified as likely benign.

Literature cited by the submitters: PubMed 30287823 (cited by Quest Diagnostics Nichols Institute San Juan Capistrano); PubMed 23431106 (cited by Quest Diagnostics Nichols Institute San Juan Capistrano and Women's Health and Genetics/Laboratory Corporation of America, LabCorp); PubMed 36436516 (cited by European Reference Network on Genetic Tumour Risk Syndromes (ERN-GENTURIS), i3s - Instituto de Investigação e Inovação em Saúde, University of Porto).

NM_004360.5(CDH1):c.894C>T (p.Ala298=)

Gene: CDH1 (cadherin 1; plus strand). Cytogenetic location: 16q22.1.
Variant type: single nucleotide variant.
Coding change: c.894C>T on transcript NM_004360.5 (MANE Select); coding-DNA position 894, C replaced by T.
Protein change: p.Ala298=; no amino-acid change (alanine 298 retained).
Molecular consequence: synonymous variant. On other transcripts: 5 prime UTR variant (2).
Genome position (GRCh38, 1-based): chr16:68,811,745, C>T. VCF-style: chr16-68811745-C-T. GRCh37 (hg19) VCF-style: chr16-68845648-C-T.
Other names: c.894C>T (LRG_301t1); c.894C>T, p.Ala298= (NM_001317184.2); c.-722C>T (NM_001317185.2); c.-926C>T (NM_001317186.2).
Identifiers: ClinVar variation 183838 (VCV000183838.41), dbSNP rs139110184, ClinGen allele CA186696.